The following is an entry in ClinVar:

NM_000553.6(WRN):c.2165A>G (p.Asn722Ser)

Gene: WRN (WRN RecQ like helicase; plus strand). Cytogenetic location: 8p12.
Variant type: single nucleotide variant.
Coding change: c.2165A>G on transcript NM_000553.6 (MANE Select); coding-DNA position 2165, A replaced by G.
Protein change: p.Asn722Ser; replaces asparagine 722 with serine.
Molecular consequence: missense variant.
Genome position (GRCh38, 1-based): chr8:31,111,691, A>G. VCF-style: chr8-31111691-A-G. GRCh37 (hg19) VCF-style: chr8-30969207-A-G.
Other names: short protein forms N722S.
Identifiers: ClinVar variation 135422 (VCV000135422.10), dbSNP rs186693124, ClinGen allele CA162713.

ClinVar aggregate classification (germline): Uncertain significance. Review status: criteria provided, multiple submitters, no conflicts (2 of 4 stars). 4 submissions from 4 submitters: Uncertain significance (3). 1 of the submissions does not count toward it. Last evaluated 2025-07-01.

Conditions:
Werner syndrome (WRN). Identifiers: Orphanet 902, MedGen C0043119, MONDO:0010196, OMIM 277700.

Allele frequency attached by ClinVar (database versions not stated): gnomAD exomes 0.00010; gnomAD 0.00005 and 0.00004; ExAC 0.00006; TOPMed 0.00007; ESP Exome Variant Server 0.00008; 1000 Genomes Project 30x 0.00016; 1000 Genomes Project 0.00020.
gnomAD v4.1: 107 of 1,614,078 alleles (0.0066%); highest among the groups gnomAD compares: Admixed American, 0.033%; 1 homozygote.

Submissions (4):

Dasa
Classification: Uncertain significance. Last evaluated: 2025-07-01. Review status: criteria provided, single submitter. Criteria: DASA Assertion Criteria. Collection method: clinical testing. Allele origin: germline.
Comment: NM_000553.6(WRN):c.2165A>G (p.Asn722Ser) is a missense variant that results in the substitution of asparagine with serine. This variant is rare in population databases. Computational prediction algorithms are consistent with a benign effect. The currently available literature and clinical evidence are not sufficient to establish a definitive association between this variant and the reported condition. Therefore, this variant is classified as a variant of uncertain significance.

Labcorp Genetics (formerly Invitae), Labcorp
Classification: Uncertain significance for Werner syndrome. Last evaluated: 2024-04-15. Review status: criteria provided, single submitter. Criteria: Invitae Variant Classification Sherloc (09022015). Collection method: clinical testing. Allele origin: germline.
Comment: This sequence change replaces asparagine, which is neutral and polar, with serine, which is neutral and polar, at codon 722 of the WRN protein (p.Asn722Ser). This variant is present in population databases (rs186693124, gnomAD 0.04%). This variant has not been reported in the literature in individuals affected with WRN-related conditions. ClinVar contains an entry for this variant (Variation ID: 135422). An algorithm developed to predict the effect of missense changes on protein structure and function (PolyPhen-2) suggests that this variant¬†is likely to be tolerated. In summary, the available evidence is currently insufficient to determine the role of this variant in disease. Therefore, it has been classified as a Variant of Uncertain Significance.

Department of Pathology and Laboratory Medicine, Sinai Health System
Classification: Uncertain significance for Werner syndrome. Last evaluated: 2021-07-30. Review status: criteria provided, single submitter. Criteria: ACMG Guidelines, 2015. Collection method: research. Allele origin: germline.

ITMI
No classification provided. Condition: AllHighlyPenetrant. Last evaluated: 2013-09-19. Review status: no classification provided. Collection method: reference population. Allele origin: germline. Not counted in ClinVar's aggregate classification.
Comment: Please see associated publication for description of ethnicities

Literature cited by the submitters: PubMed 24728327 (cited by ITMI).